The following is an entry in ClinVar:

NM_033380.3(COL4A5):c.1032+17dup

Gene: COL4A5 (collagen type IV alpha 5 chain; plus strand). Cytogenetic location: Xq22.3.
Variant type: Duplication.
Coding change: c.1032+17dup on transcript NM_033380.3 (MANE Select); 17 bases into the intron after coding-DNA position 1032, one base duplicated (T; older notation c.1032+17dupT).
Molecular consequence: intron variant.
Genome position (GRCh38, 1-based): chrX:108,584,542, T duplicated; the last of 12 consecutive T bases (chrX:108,584,531-108,584,542); duplicating any one gives the same sequence. VCF-style (leftmost placement, unchanged base first): chrX-108584530-G-GT. GRCh37 (hg19) VCF-style: chrX-107827760-G-GT.
Other names: p.?; c.1032+17dup (NM_000495.5).
Identifiers: ClinVar variation 1170157 (VCV001170157.11), dbSNP rs761615270, ClinGen allele CA10488648.

ClinVar aggregate classification (germline): Benign. Review status: criteria provided, multiple submitters, no conflicts (2 of 4 stars). 3 submissions from 3 submitters: Benign (2). 1 of the submissions does not count toward it. Last evaluated 2026-01-16.

Conditions:
X-linked Alport syndrome (ATS1). Also called: COL4A5-Related Nephropathy; NEPHROPATHY AND DEAFNESS, X-LINKED. Identifiers: Orphanet 63, Orphanet 88917, MedGen C4746986, MONDO:0010520, OMIM 301050.

Submissions (3):

Labcorp Genetics (formerly Invitae), Labcorp
Classification: Benign. Last evaluated: 2026-01-16. Review status: criteria provided, single submitter. Criteria: Invitae Variant Classification Sherloc (09022015). Collection method: clinical testing. Allele origin: germline.

Mayo Clinic Laboratories, Mayo Clinic
Classification: Benign. Last evaluated: 2023-02-27. Review status: criteria provided, single submitter. Criteria: ACMG Guidelines, 2015. Collection method: clinical testing. Allele origin: germline. Observed: 47 variant alleles.
Comment: BA1, BP4, BP7

Natera, Inc.
Classification: Benign for X-linked Alport syndrome. Last evaluated: 2019-09-27. Review status: no assertion criteria provided. Collection method: clinical testing. Allele origin: germline. Not counted in ClinVar's aggregate classification.